The following is an entry in ClinVar:

ClinVar aggregate classification (germline): Uncertain significance (1 of 4 stars; one submission).

Allele frequency attached by ClinVar (database versions not stated): ExAC 0.00001.
gnomAD v4.1: 2 of 1,614,224 alleles (0.00012%); highest among the groups gnomAD compares: Admixed American, 0.0033%; no homozygotes.

Submission:

Labcorp Genetics (formerly Invitae), Labcorp
Classification: Uncertain significance. Last evaluated: 2025-03-03. Review status: criteria provided, single submitter. Criteria: Invitae Variant Classification Sherloc (09022015). Collection method: clinical testing. Allele origin: germline.
Comment: This sequence change replaces aspartic acid, which is acidic and polar, with alanine, which is neutral and non-polar, at codon 1016 of the MYH3 protein (p.Asp1016Ala). This variant is present in population databases (rs766510090, gnomAD 0.006%). This variant has not been reported in the literature in individuals affected with MYH3-related conditions. ClinVar contains an entry for this variant (Variation ID: 1908937). Invitae Evidence Modeling of protein sequence and biophysical properties (such as structural, functional, and spatial information, amino acid conservation, physicochemical variation, residue mobility, and thermodynamic stability) has been performed for this missense variant. However, the output from this modeling did not meet the statistical confidence thresholds required to predict the impact of this variant on MYH3 protein function. In summary, the available evidence is currently insufficient to determine the role of this variant in disease. Therefore, it has been classified as a Variant of Uncertain Significance.

NM_002470.4(MYH3):c.3047A>C (p.Asp1016Ala)

Gene: MYH3 (myosin heavy chain 3; minus strand). Cytogenetic location: 17p13.1.
Variant type: single nucleotide variant.
Coding change: c.3047A>C on transcript NM_002470.4 (MANE Select); coding-DNA position 3047, A replaced by C.
Protein change: p.Asp1016Ala; replaces aspartic acid 1016 with alanine.
Molecular consequence: missense variant.
Genome position (GRCh38, 1-based): chr17:10,639,353, T>G on the plus strand (A>C on the coding strand, the complement: MYH3 is on the minus strand). VCF-style: chr17-10639353-T-G. GRCh37 (hg19) VCF-style: chr17-10542670-T-G.
Other names: short protein forms D1016A.
Identifiers: ClinVar variation 1908937 (VCV001908937.5), dbSNP rs766510090, ClinGen allele CA8392632.